The following is an entry in ClinVar:

NM_004369.4(COL6A3):c.4917C>G (p.Asp1639Glu)

Gene: COL6A3 (collagen type VI alpha 3 chain; minus strand). Cytogenetic location: 2q37.3.
Variant type: single nucleotide variant.
Coding change: c.4917C>G on transcript NM_004369.4 (MANE Select); coding-DNA position 4917, C replaced by G.
Protein change: p.Asp1639Glu; replaces aspartic acid 1639 with glutamic acid.
Molecular consequence: missense variant.
Genome position (GRCh38, 1-based): chr2:237,367,270, G>C on the plus strand (C>G on the coding strand, the complement: COL6A3 is on the minus strand). VCF-style: chr2-237367270-G-C. GRCh37 (hg19) VCF-style: chr2-238275913-G-C.
Other names: c.3096C>G, p.Asp1032Glu (NM_057166.5); c.4299C>G, p.Asp1433Glu (NM_057167.4); short protein forms D1639E, D1433E, D1032E.
Identifiers: ClinVar variation 476530 (VCV000476530.10), dbSNP rs1553556773, ClinGen allele CA351190225.
Genomic context (GRCh38, chr2:237,367,270, plus strand): 5'-AAGCACTTCCTGGAAACTGTCCCTCCTGAAGTTGATGGAACCATCCAACAGGAACACAAT[G>C]TCTGCTTTCTTCTTCTCTAGAAGTGATTAAAGTGAAAATAAGGAGAGATTAGGTTTCCAG-3'
Protein context (NP_004360.2, residues 1629-1649): PPSRPEKKKA[Asp1639Glu]IVFLLDGSIN

ClinVar aggregate classification (germline): Uncertain significance (1 of 4 stars; one submission).

Conditions:
Bethlem myopathy 1A. Also called: Bethlem Muscular Dystrophy; MYOPATHY, BENIGN CONGENITAL, WITH CONTRACTURES; Bethlem myopathy 1. Identifiers: Orphanet 610, MedGen CN029274, MONDO:0024530, OMIM 158810.

Submission:

Labcorp Genetics (formerly Invitae), Labcorp
Classification: Uncertain significance for Bethlem myopathy 1A. Last evaluated: 2018-08-31. Review status: criteria provided, single submitter. Criteria: Invitae Variant Classification Sherloc (09022015). Collection method: clinical testing. Allele origin: germline.
Comment: This sequence change replaces aspartic acid with glutamic acid at codon 1639 of the COL6A3 protein (p.Asp1639Glu). The aspartic acid residue is highly conserved and there is a small physicochemical difference between aspartic acid and glutamic acid. This variant is not present in population databases (ExAC no frequency) and has not been reported in the literature in individuals with a COL6A3-related disease. This variant occurs outside of the conserved triple-helical domain of the type 6 alpha-3 collagen protein where amino acid substitutions are rarely pathogenic. Algorithms developed to predict the effect of missense changes on protein structure and function do not agree on the potential impact of this missense change (SIFT: "Tolerated"; PolyPhen-2: "Probably Damaging"; Align-GVGD: "Class C0"). In summary, this variant is a novel missense change with uncertain impact on protein function. It has been classified as a Variant of Uncertain Significance.